The following is an entry in ClinVar:

ClinVar aggregate classification (germline): Pathogenic. Review status: criteria provided, multiple submitters, no conflicts (2 of 4 stars). 8 submissions from 8 submitters: Pathogenic (7). 1 of the submissions does not count toward it. Last evaluated 2026-01-12.

Conditions:
Mucolipidosis type II. Also called: Mucolipidosis 2; ML 2; Inclusion cell disease; Leroy Disease; N-acetylglucosamine 1phosphotransferase deficiency; ML disorder type 2. Identifiers: Orphanet 576, MedGen C2673377, MONDO:0009650, OMIM 252500.
Pseudo-Hurler polydystrophy. Also called: Type III Mucolipidosis; ML IIIA; Mucolipidosis III Alpha/Beta; MUCOLIPIDOSIS IIIA; ML III; ML III ALPHA/BETA. Identifiers: Orphanet 423461, Orphanet 577, MedGen C0033788, MONDO:0018931, OMIM 252600.

Allele frequency attached by ClinVar (database versions not stated): gnomAD 0.00001; TOPMed 0.00001; gnomAD exomes 0.00002.
gnomAD v4.1: 30 of 1,613,966 alleles (0.0019%); highest among the groups gnomAD compares: South Asian, 0.0044%; no homozygotes.

Submissions (8):

Natera, Inc.
Classification: Pathogenic for Mucolipidosis type II. Last evaluated: 2026-01-12. Review status: criteria provided, single submitter. Criteria: Natera Variant Classification Schema (03/2026). Collection method: clinical testing. Allele origin: germline.
Comment: The c.1196C>T variant in GNPTAB is a missense variant predicted to cause substitution of serine to phenylalanine at amino acid 399. This variant is rare in the general population with a frequency below the threshold expected for the associated phenotype(s). This variant has been observed in one or more individuals affected with the associated recessive disease, as either homozygous or compound heterozygous with a second variant (PMID: 19617216, 16630736, 27710913, 23566849). Computational prediction algorithms indicate this variant is likely to affect gene or protein function. Given the available evidence, this variant is classified as Pathogenic.

Dasa
Classification: Pathogenic. Last evaluated: 2025-08-04. Review status: criteria provided, single submitter. Criteria: DASA Assertion Criteria. Collection method: clinical testing. Allele origin: germline.
Comment: NM_024312.5(GNPTAB):c.1196C>T (p.Ser399Phe) is a missense variant that results in the substitution of serine with phenylalanine. This variant has been observed in affected individuals with related phenotype in a genotype context consistent with recessive disease (PMID: 24375680; PMID: 24550498; PMID: 25505245; PMID: 16630736; PMID: 19659762). Functional evidence supports a deleterious effect on the gene or gene product (PMID: 24375680; PMID: 24550498; PMID: 25505245; PMID: 16630736; PMID: 19659762). This variant has been recurrently observed in individuals with related phenotype (PMID: 24375680; PMID: 24550498; PMID: 25505245; PMID: 16630736; PMID: 19659762). Multiple computational predictions support a deleterious effect on the gene or gene product. The variant is present at low frequency in population datasets. Based on the available data, this variant is classified as pathogenic.

GeneDx
Classification: Pathogenic. Last evaluated: 2025-06-23. Review status: criteria provided, single submitter. Criteria: GeneDx Variant Classification Process June 2021. Collection method: clinical testing. Allele origin: germline. Affected: yes.
Comment: Published functional studies demonstrate a damaging effect leading to a loss of enzyme activity and ER retention (PMID: 25505245, 24550498); Not observed at significant frequency in large population cohorts (gnomAD); In silico analysis supports that this missense variant has a deleterious effect on protein structure/function; This variant is associated with the following publications: (PMID: 25505245, 24550498, 27710913, 24375680, 31038846, 34341521, 16630736, 23566849, 32651481, 30548430)

Labcorp Genetics (formerly Invitae), Labcorp
Classification: Pathogenic for Pseudo-Hurler polydystrophy; Mucolipidosis type II. Last evaluated: 2025-02-06. Review status: criteria provided, single submitter. Criteria: Invitae Variant Classification Sherloc (09022015). Collection method: clinical testing. Allele origin: germline.
Comment: This sequence change replaces serine, which is neutral and polar, with phenylalanine, which is neutral and non-polar, at codon 399 of the GNPTAB protein (p.Ser399Phe). This variant is present in population databases (rs281865026, gnomAD 0.003%). This missense change has been observed in individual(s) with GNPTAB-related conditions (PMID: 16630736, 19659762, 23566849, 27710913). ClinVar contains an entry for this variant (Variation ID: 38413). Invitae Evidence Modeling of protein sequence and biophysical properties (such as structural, functional, and spatial information, amino acid conservation, physicochemical variation, residue mobility, and thermodynamic stability) indicates that this missense variant is expected to disrupt GNPTAB protein function with a positive predictive value of 80%. Experimental studies have shown that this missense change affects GNPTAB function (PMID: 24375680, 24550498, 25505245). For these reasons, this variant has been classified as Pathogenic.

Women's Health and Genetics/Laboratory Corporation of America, LabCorp
Classification: Pathogenic for Pseudo-Hurler polydystrophy. Last evaluated: 2024-12-02. Review status: criteria provided, single submitter. Criteria: LabCorp Variant Classification Summary - May 2015. Collection method: clinical testing. Allele origin: germline.
Comment: Variant summary: GNPTAB c.1196C>T (p.Ser399Phe) results in a non-conservative amino acid change in the encoded protein sequence. Five of five in-silico tools predict a damaging effect of the variant on protein function. The variant allele was found at a frequency of 1.6e-05 in 251402 control chromosomes. c.1196C>T has been reported in the literature in multiple individuals affected with Mucolipidosis (examples: Encarnacao_2009, Cathey_2010). These data indicate that the variant is very likely to be associated with disease. The following publications have been ascertained in the context of this evaluation (PMID: 19659762, 19617216).ClinVar contains an entry for this variant (Variation ID: 38413). Based on the evidence outlined above, the variant was classified as pathogenic.

Kasturba Medical College, Manipal, Kasturba Medical College, Manipal, Manipal Academy of Higher Education, Manipal, India
Classification: Pathogenic for Pseudo-Hurler polydystrophy. Review status: criteria provided, single submitter. Criteria: ACMG Guidelines, 2015. Collection method: clinical testing. Allele origin: biparental. Inheritance: Autosomal recessive inheritance. Affected: yes. Observed: 1 homozygote.
Comment: The maternally inherited missense variant c.1196C>T is seen in heterozygous state in 30 individuals (allele frequency: 0.00001859) in the gnomAD (v4.1.0) population database and in an individual (heterozygous state) in our in-house data of 3596 exomes. In silico analysis tools (REVEL, CADD, and MutationTaster) are consistent in predicting the variant affects the GNPTAB protein function.

Lifecell International Pvt. Ltd
Classification: Pathogenic for Pseudo-Hurler polydystrophy. Review status: criteria provided, single submitter. Criteria: ACMG Guidelines, 2015. Collection method: clinical testing. Allele origin: germline. Inheritance: Autosomal recessive inheritance. Affected: yes. Observed: 1 homozygote.
Comment: A Homozygote Missense variant c.1196C>T in Exon 10 of the GNPTAB gene that results in the amino acid substitution p.Ser399Phe was identified. The variant was found in ClinVar (Variant ID: 38413) with a classification of Conflicting interpretations of pathogenicity and a review status of (1 star) criteria provided, single submitter. The observed variant has a maximum allele frequency of 0.00002/0.00003% in gnomAD exomes and genomes, respectively. The severity of the impact of this variant on the protein is high, based on the effect of the protein and REVEL score. Rare Exome Variant Ensemble Learner (REVEL) is an ensembl method for predicting the pathogenicity of missense variants based on a combination of scores from 13 individual tools: MutPred, FATHMM v2.3, VEST 3.0, PolyPhen-2, SIFT, PROVEAN, MutationAssessor, MutationTaster, LRT, GERP++, SiPhy, phyloP, and phastCons. The REVEL score for an individual missense variant can range from 0 to 1, with higher scores reflecting greater likelihood that the variant is disease-causing. The variant has been previously reported by Encarnação M, et al, 2009. Functional analysis showed the mutation leads to overexpression of the enzyme. (Qian Y et al, 2015) Based on the above evidence this variant has been classified as Pathogenic according to the ACMG guidelines.

GeneReviews
Classification: Pathogenic for Mucolipidosis III Alpha/Beta. Last evaluated: 2012-05-10. Review status: no assertion criteria provided. Collection method: curation. Allele origin: unknown. Not counted in ClinVar's aggregate classification.
ClinVar note: Converted during submission from pathologic to Pathogenic.

Literature cited by the submitters: PubMed 19617216 (cited by 3 submitters); PubMed 16630736 (cited by 3 submitters); PubMed 27710913 (cited by 3 submitters); PubMed 23566849 (cited by 3 submitters); PubMed 24375680 (cited by 3 submitters); PubMed 24550498 (cited by Dasa and Labcorp Genetics (formerly Invitae), Labcorp); PubMed 25505245 (cited by 3 submitters); PubMed 19659762 (cited by 4 submitters).

NM_024312.5(GNPTAB):c.1196C>T (p.Ser399Phe)

Gene: GNPTAB (N-acetylglucosamine-1-phosphate transferase subunits alpha and beta; minus strand). Cytogenetic location: 12q23.2.
Variant type: single nucleotide variant.
Coding change: c.1196C>T on transcript NM_024312.5 (MANE Select); coding-DNA position 1196, C replaced by T.
Protein change: p.Ser399Phe; replaces serine 399 with phenylalanine.
Molecular consequence: missense variant.
Genome position (GRCh38, 1-based): chr12:101,770,109, G>A on the plus strand (C>T on the coding strand, the complement: GNPTAB is on the minus strand). VCF-style: chr12-101770109-G-A. GRCh37 (hg19) VCF-style: chr12-102163887-G-A.
Other names: AY687932:c.1196C>T; short protein forms S399F.
Identifiers: ClinVar variation 38413 (VCV000038413.21), dbSNP rs281865026, ClinGen allele CA343061.